The following is an entry in ClinVar:

NM_020975.6(RET):c.1682G>A (p.Ser561Asn)

Gene: RET (ret proto-oncogene; plus strand). Cytogenetic location: 10q11.21.
Variant type: single nucleotide variant.
Coding change: c.1682G>A on transcript NM_020975.6 (MANE Select); coding-DNA position 1682, G replaced by A.
Protein change: p.Ser561Asn; replaces serine 561 with asparagine.
Molecular consequence: missense variant.
Genome position (GRCh38, 1-based): chr10:43,112,886, G>A. VCF-style: chr10-43112886-G-A. GRCh37 (hg19) VCF-style: chr10-43608334-G-A.
Other names: c.1682G>A, p.Ser561Asn (NM_000323.2, NM_001406743.1, NM_001406744.1 and 6 more transcripts); c.920G>A, p.Ser307Asn (NM_001355216.2); c.1553G>A, p.Ser518Asn (NM_001406761.1, NM_001406762.1, NM_001406764.1 and 1 more transcripts); c.1394G>A, p.Ser465Asn (NM_001406766.1, NM_001406767.1, NM_001406770.1); c.1286G>A, p.Ser429Asn (NM_001406769.1, NM_001406772.1); c.1244G>A, p.Ser415Asn (NM_001406771.1, NM_001406773.1); c.1157G>A, p.Ser386Asn (NM_001406774.1); c.956G>A, p.Ser319Asn (NM_001406775.1, NM_001406776.1, NM_001406777.1 and 1 more transcripts); and 5 more; short protein forms S429N, S78N, S231N, S319N, S415N, S166N, S219N, S307N.
Identifiers: ClinVar variation 2071519 (VCV002071519.6), dbSNP rs1161678851, ClinGen allele CA376551856.

ClinVar aggregate classification (germline): Uncertain significance. Review status: criteria provided, multiple submitters, no conflicts (2 of 4 stars). 3 submissions from 3 submitters: Uncertain significance (3). Last evaluated 2025-11-18.

Conditions:
Multiple endocrine neoplasia, type 2 (MEN2). Identifiers: Orphanet 653, MedGen C4048306, MONDO:0019003. Disease mechanism: gain of function.
Hereditary cancer-predisposing syndrome. Also called: Neoplastic Syndromes, Hereditary; Hereditary Cancer Syndrome; Tumor predisposition; Hereditary neoplastic syndrome. Identifiers: Orphanet 140162, MedGen C0027672, MeSH D009386, MONDO:0015356.

Submissions (3):

Labcorp Genetics (formerly Invitae), Labcorp
Classification: Uncertain significance for Multiple endocrine neoplasia, type 2. Last evaluated: 2025-11-18. Review status: criteria provided, single submitter. Criteria: Invitae Variant Classification Sherloc (09022015). Collection method: clinical testing. Allele origin: germline.
Comment: This sequence change replaces serine, which is neutral and polar, with asparagine, which is neutral and polar, at codon 561 of the RET protein (p.Ser561Asn). This variant is not present in population databases (gnomAD no frequency). This variant has not been reported in the literature in individuals affected with RET-related conditions. ClinVar contains an entry for this variant (Variation ID: 2071519). An algorithm developed to predict the effect of missense changes on protein structure and function outputs the following: PolyPhen-2: "Benign". The asparagine amino acid residue is found in multiple mammalian species, which suggests that this missense change does not adversely affect protein function. In summary, the available evidence is currently insufficient to determine the role of this variant in disease. Therefore, it has been classified as a Variant of Uncertain Significance.

Ambry Genetics
Classification: Uncertain significance for Hereditary cancer-predisposing syndrome. Last evaluated: 2024-08-05. Review status: criteria provided, single submitter. Criteria: Ambry Variant Classification Scheme 2023. Collection method: clinical testing. Allele origin: germline.
Comment: The p.S561N variant (also known as c.1682G>A), located in coding exon 9 of the RET gene, results from a G to A substitution at nucleotide position 1682. The serine at codon 561 is replaced by asparagine, an amino acid with highly similar properties. This amino acid position is conserved. In addition, this alteration is predicted to be tolerated by in silico analysis. Based on the available evidence, the clinical significance of this variant remains unclear.

All of Us Research Program, National Institutes of Health
Classification: Uncertain significance for Multiple endocrine neoplasia, type 2. Last evaluated: 2024-07-10. Review status: criteria provided, single submitter. Criteria: ACMG Guidelines, 2015. Collection method: clinical testing. Allele origin: germline. Inheritance: Autosomal dominant inheritance. Observed: 1 variant allele, 1 heterozygote.
Comment: This missense variant replaces serine with asparagine at codon 561 of the RET protein. Computational prediction suggests that this variant may not impact protein structure and function (internally defined REVEL score threshold <= 0.5, PMID: 27666373). To our knowledge, functional studies have not been reported for this variant. This variant has not been reported in individuals affected with RET-related disorders in the literature. This variant has not been identified in the general population by the Genome Aggregation Database (gnomAD). The available evidence is insufficient to determine the role of this variant in disease conclusively. Therefore, this variant is classified as a Variant of Uncertain Significance.

This study involves interpretation of variants in research participants for the purpose of population health screening. Participant phenotype was not available at the time of variant classification. Additional details can be found in publication PMID: 35346344, PMCID: PMC8962531